The following is an entry in ClinVar:

NM_003560.4(PLA2G6):c.1531C>G (p.Leu511Val)

Gene: PLA2G6 (phospholipase A2 group VI; minus strand). Cytogenetic location: 22q13.1.
Variant type: single nucleotide variant.
Coding change: c.1531C>G on transcript NM_003560.4 (MANE Select); coding-DNA position 1531, C replaced by G.
Protein change: p.Leu511Val; replaces leucine 511 with valine.
Molecular consequence: missense variant.
Genome position (GRCh38, 1-based): chr22:38,123,155, G>C on the plus strand (C>G on the coding strand, the complement: PLA2G6 is on the minus strand). VCF-style: chr22-38123155-G-C. GRCh37 (hg19) VCF-style: chr22-38519162-G-C.
Other names: c.1369C>G, p.Leu457Val (NM_001004426.3, NM_001199562.3, NM_001349865.2 and 1 more transcripts); c.1531C>G, p.Leu511Val (NM_001349864.2); c.997C>G, p.Leu333Val (NM_001349867.2); c.853C>G, p.Leu285Val (NM_001349868.2); c.835C>G, p.Leu279Val (NM_001349869.2); short protein forms L511V, L333V, L457V, L285V, L279V.
Identifiers: ClinVar variation 341638 (VCV000341638.38), dbSNP rs886057503, ClinGen allele CA10654127.
Genomic context (GRCh38, chr22:38,123,155, plus strand): 5'-TGTGCAGAATGGCCAGGGCCAGGATGCCTCCAGTGCTGGTGCCCGCCACCCAGTCAAACA[G>C]GTCCTTGGTGGCCACACCCGAGGCCTTCTCGATGGCGATGAGGAGCTGGATGATGATGAG-3'
Protein context (NP_003551.2, residues 501-521): EKASGVATKD[Leu511Val]FDWVAGTSTG

ClinVar aggregate classification (germline): Uncertain significance. Review status: criteria provided, multiple submitters, no conflicts (2 of 4 stars). 4 submissions from 4 submitters: Uncertain significance (4). Last evaluated 2023-04-01.

Conditions:
Infantile neuroaxonal dystrophy (NBIA2A). Also called: SEITELBERGER DISEASE; NEURODEGENERATION WITH BRAIN IRON ACCUMULATION 2A; Infantile neuroaxonal dystrophy 1. Identifiers: Orphanet 35069, MedGen C0270724, MONDO:0024457, OMIM 256600.
Neurodegeneration with brain iron accumulation 2B. Also called: aNAD; atypical Neuroaxonal Dystrophy (aNAD); NEUROAXONAL DYSTROPHY, ATYPICAL; NEURODEGENERATION WITH BRAIN IRON ACCUMULATION, PLA2G6-RELATED. Identifiers: Orphanet 35069, MedGen C1857747, MONDO:0012444, OMIM 610217.
Autosomal recessive Parkinson disease 14. Also called: DYSTONIA-PARKINSONISM, ADULT-ONSET; PARKINSON DISEASE 14. Identifiers: Orphanet 199351, MedGen C2751842, MONDO:0013060, OMIM 612953.
PLA2G6-associated neurodegeneration (PLAN). Also called: phospholipase A2-associated neurodegeneration. Identifiers: Orphanet 329303, MedGen CN204472, MONDO:0017998.

Allele frequency attached by ClinVar (database versions not stated): gnomAD 0.00001; gnomAD exomes 0.00001 and 0.00004; TOPMed 0.00002.
gnomAD v4.1: 64 of 1,550,616 alleles (0.0041%); highest among the groups gnomAD compares: Non-Finnish European, 0.0051%; no homozygotes.

Submissions (4):

CeGaT Center for Human Genetics Tuebingen
Classification: Uncertain significance. Last evaluated: 2023-04-01. Review status: criteria provided, single submitter. Criteria: CeGaT Center For Human Genetics Tuebingen Variant Classification Criteria Version 2. Collection method: clinical testing. Allele origin: germline. Affected: yes. Observed: 1 variant allele.
Comment: PLA2G6: PM2, BP4

Fulgent Genetics
Classification: Uncertain significance for Infantile neuroaxonal dystrophy; Neurodegeneration with brain iron accumulation 2B; Autosomal recessive Parkinson disease 14. Last evaluated: 2021-09-19. Review status: criteria provided, single submitter. Criteria: ACMG Guidelines, 2015. Collection method: clinical testing. Allele origin: unknown.

Labcorp Genetics (formerly Invitae), Labcorp
Classification: Uncertain significance for Infantile neuroaxonal dystrophy. Last evaluated: 2021-08-27. Review status: criteria provided, single submitter. Criteria: Invitae Variant Classification Sherloc (09022015). Collection method: clinical testing. Allele origin: germline.
Comment: This sequence change replaces leucine with valine at codon 511 of the PLA2G6 protein (p.Leu511Val). The leucine residue is moderately conserved and there is a small physicochemical difference between leucine and valine. This variant is not present in population databases (ExAC no frequency). This variant has not been reported in the literature in individuals affected with PLA2G6-related conditions. ClinVar contains an entry for this variant (Variation ID: 341638). Algorithms developed to predict the effect of missense changes on protein structure and function are either unavailable or do not agree on the potential impact of this missense change (SIFT: "Tolerated"; PolyPhen-2: "Possibly Damaging"; Align-GVGD: "Class C0"). In summary, the available evidence is currently insufficient to determine the role of this variant in disease. Therefore, it has been classified as a Variant of Uncertain Significance.

Illumina Laboratory Services, Illumina
Classification: Uncertain significance for PLA2G6-associated neurodegeneration. Last evaluated: 2018-01-13. Review status: criteria provided, single submitter. Criteria: ICSL Variant Classification Criteria 13 December 2019. Collection method: clinical testing. Allele origin: germline.